The following is an entry in ClinVar:

ClinVar aggregate classification (germline): Uncertain significance (1 of 4 stars; one submission).

Conditions:
Hereditary cancer-predisposing syndrome. Also called: Neoplastic Syndromes, Hereditary; Tumor predisposition; Hereditary neoplastic syndrome; Hereditary Cancer Syndrome. Identifiers: Orphanet 140162, MedGen C0027672, MeSH D009386, MONDO:0015356.

Submission:

Ambry Genetics
Classification: Uncertain significance for Hereditary cancer-predisposing syndrome. Last evaluated: 2026-07-06. Review status: criteria provided, single submitter. Criteria: Ambry Variant Classification Scheme 2023. Collection method: clinical testing. Allele origin: germline.
Comment: The p.S264F variant (also known as c.791C>T), located in coding exon 7 of the SUFU gene, results from a C to T substitution at nucleotide position 791. The serine at codon 264 is replaced by phenylalanine, an amino acid with highly dissimilar properties. This amino acid position is conserved. In addition, this alteration is predicted to be deleterious by in silico analysis. Based on the available evidence, the clinical significance of this variant remains unclear.

NM_016169.4(SUFU):c.791C>T (p.Ser264Phe)

Gene: SUFU (SUFU negative regulator of hedgehog signaling; plus strand). Cytogenetic location: 10q24.32.
Variant type: single nucleotide variant.
Coding change: c.791C>T on transcript NM_016169.4 (MANE Select); coding-DNA position 791, C replaced by T.
Protein change: p.Ser264Phe; replaces serine 264 with phenylalanine.
Molecular consequence: missense variant.
Genome position (GRCh38, 1-based): chr10:102,597,174, C>T. VCF-style: chr10-102597174-C-T. GRCh37 (hg19) VCF-style: chr10-104356931-C-T.
Other names: c.791C>T, p.Ser264Phe (NM_001178133.2); short protein forms S264F.
Identifiers: ClinVar variation 5030383 (VCV005030383.1).
Genomic context (GRCh38, chr10:102,597,174, plus strand): 5'-CTGGCTCTTTGGTTCTTTTCAAGCAGGAGAGAGTTGACAAAGGCATCGAGACAGATGGCT[C>T]CAACCTGAGTGGTGTCAGTGCCAAGTGTGCCTGGGATGACCTGAGCCGGCCCCCCGAGGA-3'
Protein context (NP_057253.2, residues 254-274): RVDKGIETDG[Ser264Phe]NLSGVSAKCA